The following is an entry in ClinVar:

NM_001378183.1(PIEZO2):c.3561C>T (p.Ile1187=)

Gene: PIEZO2 (piezo type mechanosensitive ion channel component 2; minus strand). Cytogenetic location: 18p11.22.
Variant type: single nucleotide variant.
Coding change: c.3561C>T on transcript NM_001378183.1 (MANE Select); coding-DNA position 3561, C replaced by T.
Protein change: p.Ile1187=; no amino-acid change (isoleucine 1187 retained).
Molecular consequence: synonymous variant.
Genome position (GRCh38, 1-based): chr18:10,759,799, G>A on the plus strand (C>T on the coding strand, the complement: PIEZO2 is on the minus strand). VCF-style: chr18-10759799-G-A. GRCh37 (hg19) VCF-style: chr18-10759797-G-A.
Other names: c.3486C>T, p.Ile1162= (NM_022068.4).
Identifiers: ClinVar variation 745338 (VCV000745338.31), dbSNP rs370577821, ClinGen allele CA8892527.
Genomic context (GRCh38, chr18:10,759,799, plus strand): 5'-GAAATACTGGAAGGTGATGATGCATGCCAGGAAGCAGCAGTACTTGGGCCAGATCTCTGC[G>A]ATGGCTTTCCTTCTGCGTCTATATAAGACAGCGATCAGCCAGCAGGCGTGGATCATGGCA-3'
Protein context (NP_001365112.1, residues 1177-1197): AVLYRRRRKA[Ile1187=]AEIWPKYCCF

ClinVar aggregate classification (germline): Likely benign. Review status: criteria provided, multiple submitters, no conflicts (2 of 4 stars). 4 submissions from 4 submitters: Likely benign (4). Last evaluated 2025-02-24.

Conditions:
PIEZO2-related disorder. Also called: PIEZO2-related condition; PIEZO2-related disorders.

Allele frequency attached by ClinVar (database versions not stated): gnomAD 0.00003; ExAC 0.00005; gnomAD exomes 0.00016; ESP Exome Variant Server 0.00022; TOPMed 0.00022; 1000 Genomes Project 30x 0.00062.
gnomAD v4.1: 311 of 1,537,352 alleles (0.02%); highest among the groups gnomAD compares: Non-Finnish European, 0.025%; no homozygotes.

Submissions (4):

PreventionGenetics, part of Exact Sciences
Classification: Likely benign for PIEZO2-related condition. Last evaluated: 2025-02-24. Review status: criteria provided, single submitter. Criteria: ACMG Guidelines, 2015. Collection method: clinical testing. Allele origin: germline.
Comment: This variant is classified as likely benign based on ACMG/AMP sequence variant interpretation guidelines (Richards et al. 2015 PMID: 25741868, with internal and published modifications).

Blueprint Genetics
Classification: Likely benign. Last evaluated: 2024-10-04. Review status: criteria provided, single submitter. Criteria: ACMG Guidelines, 2015. Collection method: clinical testing. Allele origin: germline.

CeGaT Center for Human Genetics Tuebingen
Classification: Likely benign. Last evaluated: 2024-04-01. Review status: criteria provided, single submitter. Criteria: CeGaT Center For Human Genetics Tuebingen Variant Classification Criteria Version 2. Collection method: clinical testing. Allele origin: germline. Affected: yes. Observed: 1 variant allele.
Comment: PIEZO2: BP4, BP7

Labcorp Genetics (formerly Invitae), Labcorp
Classification: Likely benign. Last evaluated: 2021-11-18. Review status: criteria provided, single submitter. Criteria: Invitae Variant Classification Sherloc (09022015). Collection method: clinical testing. Allele origin: germline.